The following is an entry in ClinVar:

NM_002458.3(MUC5B):c.356G>A (p.Arg119His)

Gene: MUC5B (mucin 5B, oligomeric mucus/gel-forming; plus strand). Cytogenetic location: 11p15.5.
Variant type: single nucleotide variant.
Coding change: c.356G>A on transcript NM_002458.3 (MANE Select); coding-DNA position 356, G replaced by A.
Protein change: p.Arg119His; replaces arginine 119 with histidine.
Molecular consequence: missense variant.
Genome position (GRCh38, 1-based): chr11:1,226,771, G>A. VCF-style: chr11-1226771-G-A. GRCh37 (hg19) VCF-style: chr11-1248001-G-A.
Other names: short protein forms R119H.
Identifiers: ClinVar variation 2641180 (VCV002641180.24), dbSNP rs199733278, ClinGen allele CA5803921.

ClinVar aggregate classification (germline): Benign (1 of 4 stars; one submission).

Allele frequency attached by ClinVar (database versions not stated): ESP Exome Variant Server 0.00024; gnomAD exomes 0.00042; gnomAD 0.00048; ExAC 0.00052; TOPMed 0.00057.
gnomAD v4.1: 749 of 1,612,402 alleles (0.046%); highest among the groups gnomAD compares: Middle Eastern, 0.016%; 1 homozygote.

Submission:

CeGaT Center for Human Genetics Tuebingen
Classification: Benign. Last evaluated: 2023-04-01. Review status: criteria provided, single submitter. Criteria: CeGaT Center For Human Genetics Tuebingen Variant Classification Criteria Version 2. Collection method: clinical testing. Allele origin: germline. Affected: yes. Observed: 1 variant allele.
Comment: MUC5B: BP4, BS1, BS2